The following is an entry in ClinVar:

ClinVar aggregate classification (germline): Uncertain significance (1 of 4 stars; one submission).

Conditions:
Dyskeratosis congenita. Identifiers: Orphanet 1775, MedGen C0265965, MONDO:0015780.

Submission:

Ambry Genetics
Classification: Uncertain significance for Dyskeratosis congenita. Last evaluated: 2025-09-03. Review status: criteria provided, single submitter. Criteria: Ambry Variant Classification Scheme 2023. Collection method: clinical testing. Allele origin: germline.
Comment: The p.A62V variant (also known as c.185C>T), located in coding exon 1 of the TERT gene, results from a C to T substitution at nucleotide position 185. The alanine at codon 62 is replaced by valine, an amino acid with similar properties. This amino acid position is not well conserved in available vertebrate species. In addition, this alteration is predicted to be tolerated by in silico analysis. Based on the available evidence, the clinical significance of this variant remains unclear.

NM_198253.3(TERT):c.185C>T (p.Ala62Val)

Genes: TERT (telomerase reverse transcriptase; minus strand), LOC110806263 (TERT 5' regulatory region; plus strand). Cytogenetic location: 5p15.33.
Variant type: single nucleotide variant.
Coding change: c.185C>T on transcript NM_198253.3 (MANE Select); coding-DNA position 185, C replaced by T.
Protein change: p.Ala62Val; replaces alanine 62 with valine.
Molecular consequence: missense variant. On other transcripts: non-coding transcript variant (2).
Genome position (GRCh38, 1-based): chr5:1,294,805, G>A on the plus strand (C>T on the coding strand, the complement: TERT is on the minus strand). VCF-style: chr5-1294805-G-A. GRCh37 (hg19) VCF-style: chr5-1294920-G-A.
Other names: c.185C>T, p.Ala62Val (NM_001193376.3); short protein forms A62V.
Identifiers: ClinVar variation 4182809 (VCV004182809.1).